The following is an entry in ClinVar:

NM_001005273.3(CHD3):c.1897G>A (p.Val633Ile)

Gene: CHD3 (chromodomain helicase DNA binding protein 3; plus strand). Cytogenetic location: 17p13.1.
Variant type: single nucleotide variant.
Coding change: c.1897G>A on transcript NM_001005273.3 (MANE Select); coding-DNA position 1897, G replaced by A.
Protein change: p.Val633Ile; replaces valine 633 with isoleucine.
Molecular consequence: missense variant.
Genome position (GRCh38, 1-based): chr17:7,897,272, G>A. VCF-style: chr17-7897272-G-A. GRCh37 (hg19) VCF-style: chr17-7800590-G-A.
Other names: c.2074G>A, p.Val692Ile (NM_001005271.3, NM_001437504.1); c.2062G>A, p.Val688Ile (NM_001437507.1, NM_001437508.1, NM_001437509.1); c.1897G>A, p.Val633Ile (NM_005852.4); short protein forms V633I, V688I, V692I.
Identifiers: ClinVar variation 4292810 (VCV004292810.1).

ClinVar aggregate classification (germline): Uncertain significance (1 of 4 stars; one submission).

Conditions:
Snijders Blok-Campeau syndrome. Also called: INTELLECTUAL DEVELOPMENTAL DISORDER WITH MACROCEPHALY, SPEECH DELAY, AND DYSMORPHIC FACIES. Identifiers: Orphanet 599082, MedGen C4748701, MONDO:0032600, OMIM 618205.

Submission:

3billion
Classification: Uncertain significance for Snijders Blok-Campeau syndrome. Last evaluated: 2024-06-27. Review status: criteria provided, single submitter. Criteria: ACMG Guidelines, 2015. Collection method: clinical testing. Allele origin: germline. Affected: yes.
Comment: The variant is observed at an extremely low frequency in the gnomAD v4.0.0 dataset (total allele frequency: <0.001%). Predicted Consequence/Location: Missense changes are a common disease-causing mechanism. Damaging effect on gene or gene product predicted by in silico programs is uncertain [REVEL: 0.18 (damaging >=0.6, benign <0.4), 3Cnet: 0.40 (damaging >=0.6, benign <0.15)]. Therefore, this variant is classified as VUS according to the recommendation of ACMG/AMP guideline.